The following is an entry in ClinVar:

NM_005359.6(SMAD4):c.1257G>C (p.Gly419=)

Gene: SMAD4 (SMAD family member 4; plus strand). Cytogenetic location: 18q21.2.
Variant type: single nucleotide variant.
Coding change: c.1257G>C on transcript NM_005359.6 (MANE Select); coding-DNA position 1257, G replaced by C.
Protein change: p.Gly419=; no amino-acid change (glycine 419 retained).
Molecular consequence: synonymous variant.
Genome position (GRCh38, 1-based): chr18:51,067,136, G>C. VCF-style: chr18-51067136-G-C. GRCh37 (hg19) VCF-style: chr18-48593506-G-C.
Identifiers: ClinVar variation 460534 (VCV000460534.16), dbSNP rs1303474905, ClinGen allele CA503874264.

ClinVar aggregate classification (germline): Benign/Likely benign. Review status: criteria provided, multiple submitters, no conflicts (2 of 4 stars). 5 submissions from 5 submitters: Benign (1); Likely benign (4). Last evaluated 2025-08-13.

Conditions:
Hereditary cancer-predisposing syndrome. Also called: Neoplastic Syndromes, Hereditary; Hereditary Cancer Syndrome; Hereditary neoplastic syndrome; Tumor predisposition. Identifiers: Orphanet 140162, MedGen C0027672, MeSH D009386, MONDO:0015356.
Familial thoracic aortic aneurysm and aortic dissection (TAAD). Also called: Thoracic aortic aneurysms and dissections. Identifiers: Orphanet 91387, MedGen C4707243, MONDO:0019625.
Juvenile polyposis syndrome (JPS). Identifiers: Orphanet 2929, MedGen C0345893, MONDO:0017380, OMIM 174900.
Juvenile polyposis/hereditary hemorrhagic telangiectasia syndrome (JPHT). Also called: POLYPOSIS, GENERALIZED JUVENILE, WITH PULMONARY ARTERIOVENOUS MALFORMATION; TELANGIECTASIA, HEREDITARY HEMORRHAGIC, WITH JUVENILE POLYPOSIS COLI; Juvenile Polyposis Syndrome / Hereditary Hemorrhagic Telangiectasia (JPS/HHT); JP/HHT SYNDROME; JUVENILE POLYPOSIS WITH HEREDITARY HEMORRHAGIC TELANGIECTASIA. Identifiers: Orphanet 2929, MedGen C1832942, MONDO:0008278, OMIM 175050.

Allele frequency attached by ClinVar (database versions not stated): gnomAD exomes below 0.00001.
gnomAD v4.1: 3 of 1,610,562 alleles (0.00019%); highest among the groups gnomAD compares: Non-Finnish European, 0.00025%; no homozygotes.

Submissions (5):

Labcorp Genetics (formerly Invitae), Labcorp
Classification: Likely benign for Juvenile polyposis syndrome. Last evaluated: 2025-08-13. Review status: criteria provided, single submitter. Criteria: Invitae Variant Classification Sherloc (09022015). Collection method: clinical testing. Allele origin: germline.

Myriad Genetics, Inc.
Classification: Benign for Juvenile polyposis/hereditary hemorrhagic telangiectasia syndrome. Last evaluated: 2025-03-21. Review status: criteria provided, single submitter. Criteria: Myriad Autosomal Dominant, Autosomal Recessive and X-Linked Classification Criteria (2023). Collection method: clinical testing. Allele origin: unknown.
Comment: This variant is considered benign. This variant is a silent/synonymous amino acid change and it is not expected to impact splicing.

All of Us Research Program, National Institutes of Health
Classification: Likely benign for Juvenile polyposis/hereditary hemorrhagic telangiectasia syndrome. Last evaluated: 2023-10-02. Review status: criteria provided, single submitter. Criteria: ACMG Guidelines, 2015. Collection method: clinical testing. Allele origin: germline. Inheritance: Autosomal dominant inheritance. Observed: 3 variant alleles, 3 heterozygotes.
Comment: This study involves interpretation of variants in research participants for the purpose of population health screening. Participant phenotype was not available at the time of variant classification. Additional details can be found in publication PMID: 35346344, PMCID: PMC8962531

Ambry Genetics
Classification: Likely benign for Hereditary cancer-predisposing syndrome; Familial thoracic aortic aneurysm and aortic dissection. Last evaluated: 2021-04-14. Review status: criteria provided, single submitter. Criteria: Ambry Variant Classification Scheme 2023. Collection method: clinical testing. Allele origin: germline.

Color Diagnostics, LLC DBA Color Health
Classification: Likely benign for Hereditary cancer-predisposing syndrome. Last evaluated: 2017-05-19. Review status: criteria provided, single submitter. Criteria: ACMG Guidelines, 2015. Collection method: clinical testing. Allele origin: germline.